The following is an entry in ClinVar:

ClinVar aggregate classification (germline): Uncertain significance (1 of 4 stars; one submission).

Submission:

Labcorp Genetics (formerly Invitae), Labcorp
Classification: Uncertain significance. Last evaluated: 2022-12-02. Review status: criteria provided, single submitter. Criteria: Invitae Variant Classification Sherloc (09022015). Collection method: clinical testing. Allele origin: germline.
Comment: This sequence change replaces proline, which is neutral and non-polar, with serine, which is neutral and polar, at codon 779 of the DHX37 protein (p.Pro779Ser). This variant is not present in population databases (gnomAD no frequency). This variant has not been reported in the literature in individuals affected with DHX37-related conditions. Advanced modeling of protein sequence and biophysical properties (such as structural, functional, and spatial information, amino acid conservation, physicochemical variation, residue mobility, and thermodynamic stability) performed at Invitae indicates that this missense variant is expected to disrupt DHX37 protein function. In summary, the available evidence is currently insufficient to determine the role of this variant in disease. Therefore, it has been classified as a Variant of Uncertain Significance.

NM_032656.4(DHX37):c.2335C>T (p.Pro779Ser)

Gene: DHX37 (DEAH-box helicase 37; minus strand). Cytogenetic location: 12q24.31.
Variant type: single nucleotide variant.
Coding change: c.2335C>T on transcript NM_032656.4 (MANE Select); coding-DNA position 2335, C replaced by T.
Protein change: p.Pro779Ser; replaces proline 779 with serine.
Molecular consequence: missense variant.
Genome position (GRCh38, 1-based): chr12:124,956,809, G>A on the plus strand (C>T on the coding strand, the complement: DHX37 is on the minus strand). VCF-style: chr12-124956809-G-A. GRCh37 (hg19) VCF-style: chr12-125441355-G-A.
Other names: short protein forms P779S.
Identifiers: ClinVar variation 2755225 (VCV002755225.3), dbSNP rs2547113525, ClinGen allele CA387223564.